The following is an entry in ClinVar:

ClinVar aggregate classification (germline): Uncertain significance. Review status: criteria provided, multiple submitters, no conflicts (2 of 4 stars). 4 submissions from 4 submitters: Uncertain significance (4). Last evaluated 2025-12-15.

Conditions:
Inborn genetic diseases. Identifiers: MedGen C0950123, MeSH D030342.

Allele frequency attached by ClinVar (database versions not stated): ExAC 0.00001; gnomAD 0.00001.
gnomAD v4.1: 15 of 1,612,932 alleles (0.00093%); highest among the groups gnomAD compares: East Asian, 0.0022%; no homozygotes.

Submissions (4):

Labcorp Genetics (formerly Invitae), Labcorp
Classification: Uncertain significance. Last evaluated: 2025-12-15. Review status: criteria provided, single submitter. Criteria: Invitae Variant Classification Sherloc (09022015). Collection method: clinical testing. Allele origin: germline.
Comment: This sequence change replaces arginine, which is basic and polar, with glutamine, which is neutral and polar, at codon 36 of the COL11A2 protein (p.Arg36Gln). This variant is present in population databases (rs757584689, gnomAD 0.004%). This variant has not been reported in the literature in individuals affected with COL11A2-related conditions. ClinVar contains an entry for this variant (Variation ID: 1386768). Invitae Evidence Modeling of protein sequence and biophysical properties (such as structural, functional, and spatial information, amino acid conservation, physicochemical variation, residue mobility, and thermodynamic stability) indicates that this missense variant is not expected to disrupt COL11A2 protein function with a negative predictive value of 95%. In summary, the available evidence is currently insufficient to determine the role of this variant in disease. Therefore, it has been classified as a Variant of Uncertain Significance.

GeneDx
Classification: Uncertain significance. Last evaluated: 2025-04-27. Review status: criteria provided, single submitter. Criteria: GeneDx Variant Classification Process June 2021. Collection method: clinical testing. Allele origin: germline. Affected: yes.
Comment: Not observed at significant frequency in large population cohorts (gnomAD); In silico analysis indicates that this missense variant does not alter protein structure/function; Has not been previously published as pathogenic or benign to our knowledge

CeGaT Center for Human Genetics Tuebingen
Classification: Uncertain significance. Last evaluated: 2023-05-01. Review status: criteria provided, single submitter. Criteria: CeGaT Center For Human Genetics Tuebingen Variant Classification Criteria Version 2. Collection method: clinical testing. Allele origin: germline. Affected: yes. Observed: 1 variant allele.
Comment: COL11A2: PM2

Ambry Genetics
Classification: Uncertain significance for Inborn genetic diseases. Last evaluated: 2023-02-28. Review status: criteria provided, single submitter. Criteria: Ambry Variant Classification Scheme 2023. Collection method: clinical testing. Allele origin: germline.

NM_080680.3(COL11A2):c.107G>A (p.Arg36Gln)

Gene: COL11A2 (collagen type XI alpha 2 chain; minus strand). Cytogenetic location: 6p21.32.
Variant type: single nucleotide variant.
Coding change: c.107G>A on transcript NM_080680.3 (MANE Select); coding-DNA position 107, G replaced by A.
Protein change: p.Arg36Gln; replaces arginine 36 with glutamine.
Molecular consequence: missense variant.
Genome position (GRCh38, 1-based): chr6:33,189,445, C>T on the plus strand (G>A on the coding strand, the complement: COL11A2 is on the minus strand). VCF-style: chr6-33189445-C-T. GRCh37 (hg19) VCF-style: chr6-33157222-C-T.
Other names: c.107G>A (NM_080680.2); c.107G>A, p.Arg36Gln (NM_001163771.2, NM_080679.3, NM_080681.3); short protein forms R36Q.
Identifiers: ClinVar variation 1386768 (VCV001386768.32), dbSNP rs757584689, ClinGen allele CA3751752.